The following is an entry in ClinVar:

NM_001105192.3(TLE3):c.1701C>T (p.Ala567=)

Gene: TLE3 (TLE family member 3, transcriptional corepressor; minus strand). Cytogenetic location: 15q23.
Variant type: single nucleotide variant.
Coding change: c.1701C>T on transcript NM_001105192.3 (MANE Select); coding-DNA position 1701, C replaced by T.
Protein change: p.Ala567=; no amino-acid change (alanine 567 retained).
Molecular consequence: synonymous variant.
Genome position (GRCh38, 1-based): chr15:70,054,563, G>A on the plus strand (C>T on the coding strand, the complement: TLE3 is on the minus strand). VCF-style: chr15-70054563-G-A. GRCh37 (hg19) VCF-style: chr15-70346902-G-A.
Other names: c.1686C>T, p.Ala562= (NM_001282979.2); c.1695C>T, p.Ala565= (NM_001282980.2); c.1680C>T, p.Ala560= (NM_001282981.2); c.1491C>T, p.Ala497= (NM_001282982.2); c.1710C>T, p.Ala570= (NM_005078.4); c.1674C>T, p.Ala558= (NM_020908.3).
Identifiers: ClinVar variation 3770805 (VCV003770805.13).

ClinVar aggregate classification (germline): Likely benign (1 of 4 stars; one submission).

gnomAD v4.1: 14 of 1,613,956 alleles (0.00087%); highest among the groups gnomAD compares: East Asian, 0.0045%; no homozygotes.

Submission:

CeGaT Center for Human Genetics Tuebingen
Classification: Likely benign. Last evaluated: 2025-02-01. Review status: criteria provided, single submitter. Criteria: CeGaT Center For Human Genetics Tuebingen Variant Classification Criteria Version 2. Collection method: clinical testing. Allele origin: germline. Affected: yes. Observed: 1 variant allele.
Comment: TLE3: BP4, BP7